The following is an entry in ClinVar:

ClinVar aggregate classification (germline): Uncertain significance. Review status: criteria provided, multiple submitters, no conflicts (2 of 4 stars). 3 submissions from 3 submitters: Uncertain significance (3). Last evaluated 2024-03-23.

Conditions:
POLD1-related polyposis and colorectal cancer syndrome (CRCS10). Also called: Colorectal cancer, susceptibility to, 10; Colorectal cancer 10; COLORECTAL CANCER, SUSCEPTIBILITY TO, ON CHROMOSOME 19q. Identifiers: Orphanet 220460, MedGen C2675481, MONDO:0012953, OMIM 612591.
Hereditary cancer-predisposing syndrome. Also called: Tumor predisposition; Hereditary Cancer Syndrome; Hereditary neoplastic syndrome; Neoplastic Syndromes, Hereditary. Identifiers: Orphanet 140162, MedGen C0027672, MeSH D009386, MONDO:0015356.

Submissions (3):

Ambry Genetics
Classification: Uncertain significance for Hereditary cancer-predisposing syndrome. Last evaluated: 2024-03-23. Review status: criteria provided, single submitter. Criteria: Ambry Variant Classification Scheme 2023. Collection method: clinical testing. Allele origin: germline.
Comment: The p.D389E variant (also known as c.1167C>A), located in coding exon 9 of the POLD1 gene, results from a C to A substitution at nucleotide position 1167. The aspartic acid at codon 389 is replaced by glutamic acid, an amino acid with highly similar properties. This amino acid position is highly conserved in available vertebrate species. In addition, the in silico prediction for this alteration is inconclusive. Since supporting evidence is limited at this time, the clinical significance of this alteration remains unclear.

Labcorp Genetics (formerly Invitae), Labcorp
Classification: Uncertain significance for POLD1-related polyposis and colorectal cancer syndrome. Last evaluated: 2023-04-27. Review status: criteria provided, single submitter. Criteria: Invitae Variant Classification Sherloc (09022015). Collection method: clinical testing. Allele origin: germline.
Comment: Advanced modeling of protein sequence and biophysical properties (such as structural, functional, and spatial information, amino acid conservation, physicochemical variation, residue mobility, and thermodynamic stability) performed at Invitae indicates that this missense variant is expected to disrupt POLD1 protein function. In summary, the available evidence is currently insufficient to determine the role of this variant in disease. Therefore, it has been classified as a Variant of Uncertain Significance. ClinVar contains an entry for this variant (Variation ID: 1313726). This variant has not been reported in the literature in individuals affected with POLD1-related conditions. This variant is not present in population databases (gnomAD no frequency). This sequence change replaces aspartic acid, which is acidic and polar, with glutamic acid, which is acidic and polar, at codon 389 of the POLD1 protein (p.Asp389Glu).

GeneDx
Classification: Uncertain significance. Last evaluated: 2020-12-08. Review status: criteria provided, single submitter. Criteria: GeneDx Variant Classification Process June 2021. Collection method: clinical testing. Allele origin: germline. Affected: yes.
Comment: Not observed in large population cohorts (Lek 2016); In silico analysis supports that this missense variant has a deleterious effect on protein structure/function; Has not been previously published as pathogenic or benign to our knowledge

NM_002691.4(POLD1):c.1167C>A (p.Asp389Glu)

Gene: POLD1 (DNA polymerase delta 1, catalytic subunit; plus strand). Cytogenetic location: 19q13.33.
Variant type: single nucleotide variant.
Coding change: c.1167C>A on transcript NM_002691.4 (MANE Select); coding-DNA position 1167, C replaced by A.
Protein change: p.Asp389Glu; replaces aspartic acid 389 with glutamic acid.
Molecular consequence: missense variant. On other transcripts: non-coding transcript variant (1).
Genome position (GRCh38, 1-based): chr19:50,403,522, C>A. VCF-style: chr19-50403522-C-A. GRCh37 (hg19) VCF-style: chr19-50906779-C-A.
Other names: c.1167C>A, p.Asp389Glu (NM_001256849.1, NM_001308632.1); short protein forms D389E.
Identifiers: ClinVar variation 1313726 (VCV001313726.8), dbSNP rs2122277855, ClinGen allele CA406978486.